The following is an entry in ClinVar:

ClinVar aggregate classification (germline): Conflicting classifications of pathogenicity. Review status: criteria provided, conflicting classifications (1 of 4 stars). 4 submissions from 4 submitters: Uncertain significance (2); Likely benign (1). 1 of the submissions does not count toward it. Last evaluated 2024-09-03.

Conditions:
Congenital hyperammonemia, type I. Also called: Carbamoyl phosphate synthetase I deficiency disease; CPS I DEFICIENCY; Carbamoyl phosphate synthetase 1 deficiency; Hyperammonemia due to carbamoyl phosphate synthetase 1 deficiency; CPS 1 deficiency; Carbamyl phosphate synthetase (CPS) deficiency. Identifiers: Orphanet 147, MedGen C4082171, MONDO:0009376, OMIM 237300.
Inborn genetic diseases. Identifiers: MedGen C0950123, MeSH D030342.

Allele frequency attached by ClinVar (database versions not stated): ExAC 0.00003; gnomAD 0.00003; TOPMed 0.00003; gnomAD exomes 0.00004; 1000 Genomes Project 30x 0.00016; 1000 Genomes Project 0.00020.
gnomAD v4.1: 67 of 1,612,242 alleles (0.0042%); highest among the groups gnomAD compares: Non-Finnish European, 0.0053%; no homozygotes.

Submissions (4):

Labcorp Genetics (formerly Invitae), Labcorp
Classification: Uncertain significance for Congenital hyperammonemia, type I. Last evaluated: 2024-09-03. Review status: criteria provided, single submitter. Criteria: Invitae Variant Classification Sherloc (09022015). Collection method: clinical testing. Allele origin: germline.
Comment: This sequence change replaces isoleucine, which is neutral and non-polar, with valine, which is neutral and non-polar, at codon 820 of the CPS1 protein (p.Ile820Val). This variant is present in population databases (rs554763314, gnomAD 0.006%). This variant has not been reported in the literature in individuals affected with CPS1-related conditions. ClinVar contains an entry for this variant (Variation ID: 971934). Invitae Evidence Modeling of protein sequence and biophysical properties (such as structural, functional, and spatial information, amino acid conservation, physicochemical variation, residue mobility, and thermodynamic stability) indicates that this missense variant is not expected to disrupt CPS1 protein function with a negative predictive value of 95%. In summary, the available evidence is currently insufficient to determine the role of this variant in disease. Therefore, it has been classified as a Variant of Uncertain Significance.

Blueprint Genetics
Classification: Uncertain significance. Last evaluated: 2024-08-23. Review status: criteria provided, single submitter. Criteria: ACMG Guidelines, 2015. Collection method: clinical testing. Allele origin: germline.

Ambry Genetics
Classification: Likely benign for Inborn genetic diseases. Last evaluated: 2022-11-03. Review status: criteria provided, single submitter. Criteria: Ambry Variant Classification Scheme 2023. Collection method: clinical testing. Allele origin: germline.

Natera, Inc.
Classification: Uncertain significance for Carbamoyl-phosphate synthase I deficiency. Last evaluated: 2020-01-24. Review status: no assertion criteria provided. Collection method: clinical testing. Allele origin: germline. Not counted in ClinVar's aggregate classification.

NM_001875.5(CPS1):c.2458A>G (p.Ile820Val)

Gene: CPS1 (carbamoyl-phosphate synthase 1; plus strand). Cytogenetic location: 2q34.
Variant type: single nucleotide variant.
Coding change: c.2458A>G on transcript NM_001875.5 (MANE Select); coding-DNA position 2458, A replaced by G.
Protein change: p.Ile820Val; replaces isoleucine 820 with valine.
Molecular consequence: missense variant. On other transcripts: non-coding transcript variant (2).
Genome position (GRCh38, 1-based): chr2:210,612,183, A>G. VCF-style: chr2-210612183-A-G. GRCh37 (hg19) VCF-style: chr2-211476907-A-G.
Other names: c.2458A>G, p.Ile820Val (NM_001122633.3, NM_001369257.1); c.2491A>G, p.Ile831Val (NM_001369256.1); short protein forms I831V, I820V.
Identifiers: ClinVar variation 971934 (VCV000971934.10), dbSNP rs554763314, ClinGen allele CA2086643.